The following is an entry in ClinVar:

ClinVar aggregate classification (germline): Likely benign. Review status: criteria provided, multiple submitters, no conflicts (2 of 4 stars). 2 submissions from 2 submitters: Likely benign (2). Last evaluated 2024-04-15.

Conditions:
Hereditary breast ovarian cancer syndrome. Also called: Hereditary breast and ovarian cancer syndrome (HBOC); Hereditary breast and/or ovarian cancer syndrome; Hereditary breast and ovarian cancer syndrome; Breast and ovarian cancer; Hereditary breast and ovarian cancer; BRCA1- and BRCA2-Associated Hereditary Breast and Ovarian Cancer. Identifiers: Orphanet 145, MedGen C0677776, MeSH D061325, MONDO:0003582. Disease mechanism: loss of function.

Submissions (2):

Women's Health and Genetics/Laboratory Corporation of America, LabCorp
Classification: Likely benign. Last evaluated: 2024-04-15. Review status: criteria provided, single submitter. Criteria: LabCorp Variant Classification Summary - May 2015. Collection method: clinical testing. Allele origin: germline.
Comment: Variant summary: BRCA1 c.81-14_81-13insT alters a nucleotide located at a position not widely known to affect splicing. Consensus agreement among computation tools predict no significant impact on normal splicing. However, these predictions have yet to be confirmed by functional studies. The variant was absent in 246308 control chromosomes. The available data on variant occurrences in the general population are insufficient to allow any conclusion about variant significance. To our knowledge, no occurrence of c.81-14_81-13insT in individuals affected with Hereditary Breast And Ovarian Cancer Syndrome and no experimental evidence demonstrating its impact on protein function have been reported. ClinVar contains an entry for this variant (Variation ID: 2762088). Based on the evidence outlined above, the variant was classified as likely benign.

Labcorp Genetics (formerly Invitae), Labcorp
Classification: Likely benign for Hereditary breast ovarian cancer syndrome. Last evaluated: 2023-12-04. Review status: criteria provided, single submitter. Criteria: Invitae Variant Classification Sherloc (09022015). Collection method: clinical testing. Allele origin: germline.

NM_007294.4(BRCA1):c.81-14_81-13insT

Gene: BRCA1 (BRCA1 DNA repair associated; minus strand). Cytogenetic location: 17q21.31.
Variant type: Insertion.
Coding change: c.81-14_81-13insT on transcript NM_007294.4 (MANE Select); 14 bases into the intron before coding-DNA position 81 through 13 bases into the intron before coding-DNA position 81, T inserted.
Molecular consequence: intron variant.
Genome position: GRCh38 VCF-style: chr17-43115792-G-GA. GRCh37 (hg19) VCF-style: chr17-41267809-G-GA.
Other names: c.81-14_81-13insT (NM_001407974.1, NM_001407969.1, NM_001407968.1 and 191 more transcripts); c.-224-14_-224-13insT (NM_001408492.1, NM_001407889.1, NM_001407900.1); c.-177-14_-177-13insT (NM_001408468.1, NM_001407842.1, NM_001407749.1 and 13 more transcripts); c.-181-14_-181-13insT (NM_001407695.1, NM_001408465.1); c.-61-14_-61-13insT (NM_001407846.1, NM_001408503.1, NM_001407943.1 and 47 more transcripts); c.-8+5765_-8+5766insT (NM_001407726.1, NM_001407751.1); c.-108-14_-108-13insT (NM_001408513.1, NM_001407899.1, NM_001408507.1 and 52 more transcripts); c.-219+9478_-219+9479insT (NM_001407966.1); and 10 more.
Identifiers: ClinVar variation 2762088 (VCV002762088.4), dbSNP rs1555599307, ClinGen allele CA2697559922.